The following is an entry in ClinVar:

ClinVar aggregate classification (germline): Uncertain significance (1 of 4 stars; one submission).

Conditions:
Hereditary spastic paraplegia 30. Identifiers: Orphanet 101010, MedGen C5235139, MONDO:0012476.
Neuropathy, hereditary sensory, type 2C. Also called: KIF1A-Related HSAN2 (HSAN2C); Hereditary sensory and autonomic neuropathy type IIC. Identifiers: Orphanet 970, MedGen C3280168, MONDO:0013634, OMIM 614213.
Intellectual disability, autosomal dominant 9 (NESCAVS). Also called: KIF1A-Related Neurodevelopmental Disorder; NESCAV SYNDROME. Identifiers: Orphanet 662367, MedGen C5393830, MONDO:0013656, OMIM 614255.

Submission:

Labcorp Genetics (formerly Invitae), Labcorp
Classification: Uncertain significance for Hereditary spastic paraplegia 30; Neuropathy, hereditary sensory, type 2C; Intellectual disability, autosomal dominant 9. Last evaluated: 2024-10-22. Review status: criteria provided, single submitter. Criteria: Invitae Variant Classification Sherloc (09022015). Collection method: clinical testing. Allele origin: germline.
Comment: This sequence change replaces histidine, which is basic and polar, with glutamine, which is neutral and polar, at codon 917 of the KIF1A protein (p.His917Gln). This variant is not present in population databases (gnomAD no frequency). This variant has not been reported in the literature in individuals affected with KIF1A-related conditions. ClinVar contains an entry for this variant (Variation ID: 1446457). Invitae Evidence Modeling of protein sequence and biophysical properties (such as structural, functional, and spatial information, amino acid conservation, physicochemical variation, residue mobility, and thermodynamic stability) has been performed for this missense variant. However, the output from this modeling did not meet the statistical confidence thresholds required to predict the impact of this variant on KIF1A protein function. In summary, the available evidence is currently insufficient to determine the role of this variant in disease. Therefore, it has been classified as a Variant of Uncertain Significance.

NM_001244008.2(KIF1A):c.3054T>G (p.His1018Gln)

Gene: KIF1A (kinesin family member 1A; minus strand). Cytogenetic location: 2q37.3.
Variant type: single nucleotide variant.
Coding change: c.3054T>G on transcript NM_001244008.2 (MANE Select); coding-DNA position 3054, T replaced by G.
Protein change: p.His1018Gln; replaces histidine 1018 with glutamine.
Molecular consequence: missense variant.
Genome position (GRCh38, 1-based): chr2:240,747,245, A>C on the plus strand (T>G on the coding strand, the complement: KIF1A is on the minus strand). VCF-style: chr2-240747245-A-C. GRCh37 (hg19) VCF-style: chr2-241686662-A-C.
Other names: c.2778T>G, p.His926Gln (NM_001320705.2, NM_001330289.2, NM_001379638.1); c.2853T>G, p.His951Gln (NM_001330290.2, NM_001379634.1, NM_001379635.1 and 1 more transcripts); c.3129T>G, p.His1043Gln (NM_001379631.1); c.3003T>G, p.His1001Gln (NM_001379632.1); c.3027T>G, p.His1009Gln (NM_001379633.1, NM_001379642.1, NM_001379645.1); c.2751T>G, p.His917Gln (NM_001379636.1, NM_001379639.1, NM_001379640.1 and 6 more transcripts); c.2826T>G, p.His942Gln (NM_001379637.1, NM_001379648.1); short protein forms H1018Q, H926Q, H1001Q, H1009Q, H1043Q, H917Q, H942Q, H951Q.
Identifiers: ClinVar variation 1446457 (VCV001446457.8), dbSNP rs2125802513, ClinGen allele CA351319166.